The following is an entry in ClinVar:

NC_012920.1(MT-ATP6):m.8618T>C

Gene: MT-ATP6 (mitochondrially encoded ATP synthase 6; plus strand).
Variant type: single nucleotide variant.
Genome position: chrM-8618-T-C.
Identifiers: ClinVar variation 692927 (VCV000692927.1), dbSNP rs28358885, ClinGen allele CA337097949.

ClinVar aggregate classification (germline): Benign (1 of 4 stars; one submission).

Conditions:
Leigh syndrome (NULS). Also called: Leigh's necrotizing encephalopathy; Leigh's disease; Leigh Syndrome (mtDNA deletion); Leigh Disease; Subacute necrotizing encephalopathy; Necrotizing encephalopathy infantile subacute of Leigh. Identifiers: Orphanet 506, MedGen C2931891, MONDO:0009723, OMIM 256000.

Submission:

Wong Mito Lab, Molecular and Human Genetics, Baylor College of Medicine
Classification: Benign for Leigh syndrome. Last evaluated: 2019-10-17. Review status: criteria provided, single submitter. Criteria: Modified ACMG Guidelines (Unpublished). Collection method: clinical testing. Allele origin: germline.
Comment: The NC_012920.1:m.8618T>C (YP_003024031.1:p.Ile31Thr) variant in MTATP6 gene is interpretated to be a Benign variant based on the modified ACMG guidelines (unpublished). This variant meets the following evidence codes: BA1